The following is an entry in ClinVar:

NM_003072.5(SMARCA4):c.1901C>T (p.Pro634Leu)

Gene: SMARCA4 (SWI/SNF related BAF chromatin remodeling complex subunit ATPase 4; plus strand). Cytogenetic location: 19p13.2.
Variant type: single nucleotide variant.
Coding change: c.1901C>T on transcript NM_003072.5 (MANE Select); coding-DNA position 1901, C replaced by T.
Protein change: p.Pro634Leu; replaces proline 634 with leucine.
Molecular consequence: missense variant. On other transcripts: non-coding transcript variant (1).
Genome position (GRCh38, 1-based): chr19:11,003,117, C>T. VCF-style: chr19-11003117-C-T. GRCh37 (hg19) VCF-style: chr19-11113793-C-T.
Other names: c.1901C>T, p.Pro634Leu (NM_001128844.3, NM_001128845.2, NM_001128846.2 and 6 more transcripts); short protein forms P634L.
Identifiers: ClinVar variation 4827328 (VCV004827328.1).

ClinVar aggregate classification (germline): Uncertain significance (1 of 4 stars; one submission).

Conditions:
Hereditary cancer-predisposing syndrome. Also called: Neoplastic Syndromes, Hereditary; Tumor predisposition; Hereditary Cancer Syndrome; Hereditary neoplastic syndrome. Identifiers: Orphanet 140162, MedGen C0027672, MeSH D009386, MONDO:0015356.

Submission:

Ambry Genetics
Classification: Uncertain significance for Hereditary cancer-predisposing syndrome. Last evaluated: 2026-03-02. Review status: criteria provided, single submitter. Criteria: Ambry Variant Classification Scheme 2023. Collection method: clinical testing. Allele origin: germline.
Comment: The p.P634L variant (also known as c.1901C>T), located in coding exon 11 of the SMARCA4 gene, results from a C to T substitution at nucleotide position 1901. The proline at codon 634 is replaced by leucine, an amino acid with similar properties. This amino acid position is highly conserved in available vertebrate species. In addition, this alteration is predicted to be deleterious by in silico analysis. Based on the available evidence, the clinical significance of this variant remains unclear.